The following is an entry in ClinVar:

ClinVar aggregate classification (germline): Uncertain significance (1 of 4 stars; one submission).

Allele frequency attached by ClinVar (database versions not stated): gnomAD 0.00001; ExAC 0.00003.
gnomAD v4.1: 12 of 1,587,776 alleles (0.00076%); highest among the groups gnomAD compares: African/African-American, 0.004%; no homozygotes.

Submission:

Labcorp Genetics (formerly Invitae), Labcorp
Classification: Uncertain significance. Last evaluated: 2025-11-25. Review status: criteria provided, single submitter. Criteria: Invitae Variant Classification Sherloc (09022015). Collection method: clinical testing. Allele origin: germline.
Comment: This sequence change replaces serine, which is neutral and polar, with phenylalanine, which is neutral and non-polar, at codon 178 of the POLG2 protein (p.Ser178Phe). This variant is present in population databases (rs782061130, gnomAD 0.007%). This variant has not been reported in the literature in individuals affected with POLG2-related conditions. ClinVar contains an entry for this variant (Variation ID: 1931664). An algorithm developed to predict the effect of missense changes on protein structure and function (PolyPhen-2) suggests that this variant is likely to be disruptive. In summary, the available evidence is currently insufficient to determine the role of this variant in disease. Therefore, it has been classified as a Variant of Uncertain Significance.

NM_007215.4(POLG2):c.533C>T (p.Ser178Phe)

Genes: MILR1 (mast cell immunoglobulin like receptor 1; plus strand), POLG2 (DNA polymerase gamma 2, accessory subunit; minus strand). Cytogenetic location: 17q23.3.
Variant type: single nucleotide variant.
Coding change: c.533C>T on transcript NM_007215.4 (MANE Select); coding-DNA position 533, C replaced by T.
Protein change: p.Ser178Phe; replaces serine 178 with phenylalanine.
Molecular consequence: missense variant.
Genome position (GRCh38, 1-based): chr17:64,496,436, G>A on the plus strand (C>T on the coding strand, the complement: POLG2 is on the minus strand). VCF-style: chr17-64496436-G-A. GRCh37 (hg19) VCF-style: chr17-62492554-G-A.
Other names: short protein forms S178F.
Identifiers: ClinVar variation 1931664 (VCV001931664.5), dbSNP rs782061130, ClinGen allele CA8713010.